The following is an entry in ClinVar:

NM_001127649.3(PEX26):c.148G>C (p.Asp50His)

Gene: PEX26 (peroxisomal biogenesis factor 26; plus strand). Cytogenetic location: 22q11.21.
Variant type: single nucleotide variant.
Coding change: c.148G>C on transcript NM_001127649.3 (MANE Select); coding-DNA position 148, G replaced by C.
Protein change: p.Asp50His; replaces aspartic acid 50 with histidine.
Molecular consequence: missense variant.
Genome position (GRCh38, 1-based): chr22:18,078,524, G>C. VCF-style: chr22-18078524-G-C. GRCh37 (hg19) VCF-style: chr22-18561290-G-C.
Other names: c.148G>C, p.Asp50His (NM_001199319.2, NM_017929.6); short protein forms D50H.
Identifiers: ClinVar variation 1040846 (VCV001040846.9), dbSNP rs1926400002, ClinGen allele CA410264888.
Genomic context (GRCh38, chr22:18,078,524, plus strand): 5'-GCCCGGGCGCCGGCCGTGGACCTTCTGGAGGAGGCGGCCGACCTCCTGGTGGTGCACCTG[G>C]ACTTCCGGGCGGCGCTGGAGACCTGCGAGCGGGCCTGGCAGAGTCTGGCCAACCACGCCG-3'
Protein context (NP_001121121.1, residues 40-60): EAADLLVVHL[Asp50His]FRAALETCER

ClinVar aggregate classification (germline): Uncertain significance (1 of 4 stars; one submission).

Conditions:
Peroxisome biogenesis disorder 7A (Zellweger). Also called: Peroxisome biogenesis disorder 7A. Identifiers: Orphanet 912, MedGen C3888385, MONDO:0013938, OMIM 614872.
Peroxisome biogenesis disorder 7B (PBD7B). Identifiers: Orphanet 44, MedGen C3553951, MONDO:0013939, OMIM 614873.

Submission:

Labcorp Genetics (formerly Invitae), Labcorp
Classification: Uncertain significance for Peroxisome biogenesis disorder 7A (Zellweger); Peroxisome biogenesis disorder 7B. Last evaluated: 2020-04-09. Review status: criteria provided, single submitter. Criteria: Invitae Variant Classification Sherloc (09022015). Collection method: clinical testing. Allele origin: germline.
Comment: This sequence change replaces aspartic acid with histidine at codon 50 of the PEX26 protein (p.Asp50His). The aspartic acid residue is highly conserved and there is a moderate physicochemical difference between aspartic acid and histidine. The frequency data for this variant in the population databases is considered unreliable, as metrics indicate insufficient coverage at this position in the ExAC database. This variant has not been reported in the literature in individuals with PEX26-related conditions. Algorithms developed to predict the effect of missense changes on protein structure and function (SIFT, PolyPhen-2, Align-GVGD) all suggest that this variant is likely to be disruptive, but these predictions have not been confirmed by published functional studies and their clinical significance is uncertain. In summary, the available evidence is currently insufficient to determine the role of this variant in disease. Therefore, it has been classified as a Variant of Uncertain Significance.